The following is an entry in ClinVar:

ClinVar aggregate classification (germline): Conflicting classifications of pathogenicity. Review status: criteria provided, conflicting classifications (1 of 4 stars). 5 submissions from 5 submitters: Uncertain significance (4); Likely benign (1). Last evaluated 2026-04-10.

Conditions:
TTN-related disorder. Also called: TTN-related condition; TTN-related disease; TTN-related disorders.
Cardiovascular phenotype. Identifiers: MedGen CN230736.

Allele frequency attached by ClinVar (database versions not stated): ExAC 0.00001; gnomAD exomes 0.00002; gnomAD 0.00014 and 0.00016; TOPMed 0.00039.
gnomAD v4.1: 38 of 1,613,766 alleles (0.0024%); highest among the groups gnomAD compares: Admixed American, 0.057%; 1 homozygote.

Submissions (5):

Women's Health and Genetics/Laboratory Corporation of America, LabCorp
Classification: Uncertain significance. Last evaluated: 2026-04-10. Review status: criteria provided, single submitter. Criteria: LabCorp Variant Classification Summary - May 2015. Collection method: clinical testing. Allele origin: germline.

PreventionGenetics, part of Exact Sciences
Classification: Uncertain significance for TTN-related condition. Last evaluated: 2026-02-25. Review status: criteria provided, single submitter. Criteria: ACMG Guidelines, 2015. Collection method: clinical testing. Allele origin: germline.
Comment: The TTN c.104590C>A variant is predicted to result in the amino acid substitution p.Pro34864Thr. To our knowledge, this variant has not been reported in the literature. This variant is reported in 0.0085% of alleles in individuals of Latino descent in gnomAD. At this time, the clinical significance of this variant is uncertain due to the absence of conclusive functional and genetic evidence.

Revvity Omics, Revvity
Classification: Uncertain significance. Last evaluated: 2020-08-18. Review status: criteria provided, single submitter. Criteria: ACMG Guidelines, 2015. Collection method: clinical testing. Allele origin: germline.

Ambry Genetics
Classification: Likely benign for Cardiovascular phenotype. Last evaluated: 2020-07-14. Review status: criteria provided, single submitter. Criteria: Ambry Variant Classification Scheme 2023. Collection method: clinical testing. Allele origin: germline.

Eurofins Ntd Llc (ga)
Classification: Uncertain significance. Last evaluated: 2017-05-24. Review status: criteria provided, single submitter. Criteria: EGL Classification Definitions 2015. Collection method: clinical testing. Allele origin: germline. Observed: 5 variant alleles, 5 heterozygotes.

NM_001267550.2(TTN):c.104590C>A (p.Pro34864Thr)

Genes: TTN (titin; minus strand), TTN-AS1 (TTN antisense RNA 1; plus strand). Cytogenetic location: 2q31.2.
Variant type: single nucleotide variant.
Coding change: c.104590C>A on transcript NM_001267550.2 (MANE Select); coding-DNA position 104590, C replaced by A.
Protein change: p.Pro34864Thr; replaces proline 34864 with threonine.
Molecular consequence: missense variant.
Genome position (GRCh38, 1-based): chr2:178,532,025, G>T on the plus strand (C>A on the coding strand, the complement: TTN is on the minus strand). VCF-style: chr2-178532025-G-T. GRCh37 (hg19) VCF-style: chr2-179396752-G-T.
Other names: c.99667C>A, p.Pro33223Thr (NM_001256850.1); c.77395C>A, p.Pro25799Thr (NM_003319.4); c.96886C>A, p.Pro32296Thr (NM_133378.4); c.77770C>A, p.Pro25924Thr (NM_133432.3); c.77971C>A, p.Pro25991Thr (NM_133437.4); short protein forms P32296T, P34864T, P25991T, P33223T, P25924T, P25799T.
Identifiers: ClinVar variation 497039 (VCV000497039.12), dbSNP rs756640084, ClinGen allele CA1985395.